The following is an entry in ClinVar:

ClinVar aggregate classification (germline): Uncertain significance. Review status: criteria provided, multiple submitters, no conflicts (2 of 4 stars). 2 submissions from 2 submitters: Uncertain significance (2). Last evaluated 2023-05-04.

Conditions:
Nemaline myopathy 9 (NEM9). Identifiers: MedGen C3810384, MONDO:0014326, OMIM 615731.

Allele frequency attached by ClinVar (database versions not stated): TOPMed 0.00018.
gnomAD v4.1: 29 of 1,613,990 alleles (0.0018%); highest among the groups gnomAD compares: African/African-American, 0.033%; no homozygotes.

Submissions (2):

GeneDx
Classification: Uncertain significance. Last evaluated: 2023-05-04. Review status: criteria provided, single submitter. Criteria: GeneDx Variant Classification Process June 2021. Collection method: clinical testing. Allele origin: germline. Affected: yes.
Comment: In silico analysis supports that this missense variant does not alter protein structure/function; Has not been previously published as pathogenic or benign to our knowledge

Labcorp Genetics (formerly Invitae), Labcorp
Classification: Uncertain significance for Nemaline myopathy 9. Last evaluated: 2022-09-01. Review status: criteria provided, single submitter. Criteria: Invitae Variant Classification Sherloc (09022015). Collection method: clinical testing. Allele origin: germline.
Comment: This sequence change replaces glutamine, which is neutral and polar, with histidine, which is basic and polar, at codon 173 of the KLHL41 protein (p.Gln173His). This variant is present in population databases (rs144844327, gnomAD 0.04%). This variant has not been reported in the literature in individuals affected with KLHL41-related conditions. ClinVar contains an entry for this variant (Variation ID: 955852). Algorithms developed to predict the effect of missense changes on protein structure and function are either unavailable or do not agree on the potential impact of this missense change (SIFT: "Deleterious"; PolyPhen-2: "Probably Damaging"; Align-GVGD: "Class C0"). In summary, the available evidence is currently insufficient to determine the role of this variant in disease. Therefore, it has been classified as a Variant of Uncertain Significance.

NM_006063.3(KLHL41):c.519A>T (p.Gln173His)

Gene: KLHL41 (kelch like family member 41; plus strand). Cytogenetic location: 2q31.1.
Variant type: single nucleotide variant.
Coding change: c.519A>T on transcript NM_006063.3 (MANE Select); coding-DNA position 519, A replaced by T.
Protein change: p.Gln173His; replaces glutamine 173 with histidine.
Molecular consequence: missense variant.
Genome position (GRCh38, 1-based): chr2:169,510,297, A>T. VCF-style: chr2-169510297-A-T. GRCh37 (hg19) VCF-style: chr2-170366807-A-T.
Other names: short protein forms Q173H.
Identifiers: ClinVar variation 955852 (VCV000955852.7), dbSNP rs144844327, ClinGen allele CA1956518.